The following is an entry in ClinVar:

NM_001481.3(DRC4):c.67C>G (p.Pro23Ala)

Gene: DRC4 (dynein regulatory complex subunit 4; plus strand). Cytogenetic location: 16q24.3.
Variant type: single nucleotide variant.
Coding change: c.67C>G on transcript NM_001481.3 (MANE Select); coding-DNA position 67, C replaced by G.
Protein change: p.Pro23Ala; replaces proline 23 with alanine.
Molecular consequence: missense variant. On other transcripts: 5 prime UTR variant (3).
Genome position (GRCh38, 1-based): chr16:90,027,699, C>G. VCF-style: chr16-90027699-C-G. GRCh37 (hg19) VCF-style: chr16-90094107-C-G.
Other names: c.-306C>G (NM_001286205.2); c.-578C>G (NM_001286208.2); c.-9C>G (NM_001286209.2); short protein forms P23A.
Identifiers: ClinVar variation 1803105 (VCV001803105.1), dbSNP rs374981045, ClinGen allele CA8257458.

ClinVar aggregate classification (germline): Uncertain significance (1 of 4 stars; one submission).

Conditions:
Primary ciliary dyskinesia 33. Also called: CILIARY DYSKINESIA, PRIMARY, 33, WITHOUT SITUS INVERSUS. Identifiers: Orphanet 244, MedGen C4225230, MONDO:0014750, OMIM 616726.

Allele frequency attached by ClinVar (database versions not stated): TOPMed below 0.00001; ExAC 0.00001; gnomAD 0.00001; gnomAD exomes 0.00001; ESP Exome Variant Server 0.00008.
gnomAD v4.1: 9 of 1,614,086 alleles (0.00056%); highest among the groups gnomAD compares: Non-Finnish European, 0.00076%; no homozygotes.

Submission:

Genetics and Molecular Pathology, SA Pathology
Classification: Uncertain significance for Primary ciliary dyskinesia 33. Last evaluated: 2019-09-03. Review status: criteria provided, single submitter. Criteria: ACMG Guidelines, 2015. Collection method: clinical testing. Allele origin: germline. Inheritance: Autosomal recessive inheritance. Affected: yes.
Comment: Low pop frequency, insufficient information to classify